The following is an entry in ClinVar:

NM_018163.3(DNAJC17):c.389G>A (p.Arg130His)

Gene: DNAJC17 (DnaJ heat shock protein family (Hsp40) member C17; minus strand). Cytogenetic location: 15q15.1.
Variant type: single nucleotide variant.
Coding change: c.389G>A on transcript NM_018163.3 (MANE Select); coding-DNA position 389, G replaced by A.
Protein change: p.Arg130His; replaces arginine 130 with histidine.
Molecular consequence: missense variant.
Genome position (GRCh38, 1-based): chr15:40,776,285, C>T on the plus strand (G>A on the coding strand, the complement: DNAJC17 is on the minus strand). VCF-style: chr15-40776285-C-T. GRCh37 (hg19) VCF-style: chr15-41068483-C-T.
Other names: short protein forms R130H.
Identifiers: ClinVar variation 2073758 (VCV002073758.4), dbSNP rs186135784, ClinGen allele CA7485160.

ClinVar aggregate classification (germline): Uncertain significance (1 of 4 stars; one submission).

Allele frequency attached by ClinVar (database versions not stated): ExAC 0.00015; 1000 Genomes Project 0.00040; gnomAD 0.00009; 1000 Genomes Project 30x 0.00078; gnomAD exomes 0.00003.
gnomAD v4.1: 69 of 1,614,080 alleles (0.0043%); highest among the groups gnomAD compares: East Asian, 0.051%; no homozygotes.

Submission:

Labcorp Genetics (formerly Invitae), Labcorp
Classification: Uncertain significance. Last evaluated: 2024-07-06. Review status: criteria provided, single submitter. Criteria: Invitae Variant Classification Sherloc (09022015). Collection method: clinical testing. Allele origin: germline.
Comment: This sequence change replaces arginine, which is basic and polar, with histidine, which is basic and polar, at codon 130 of the DNAJC17 protein (p.Arg130His). This variant is present in population databases (rs186135784, gnomAD 0.07%), and has an allele count higher than expected for a pathogenic variant. This variant has not been reported in the literature in individuals affected with DNAJC17-related conditions. ClinVar contains an entry for this variant (Variation ID: 2073758). An algorithm developed to predict the effect of missense changes on protein structure and function (PolyPhen-2) suggests that this variant is likely to be disruptive. In summary, the available evidence is currently insufficient to determine the role of this variant in disease. Therefore, it has been classified as a Variant of Uncertain Significance.